The following is an entry in ClinVar:

NM_006231.4(POLE):c.207C>A (p.Thr69=)

Gene: POLE (DNA polymerase epsilon, catalytic subunit; minus strand). Cytogenetic location: 12q24.33.
Variant type: single nucleotide variant.
Coding change: c.207C>A on transcript NM_006231.4 (MANE Select); coding-DNA position 207, C replaced by A.
Protein change: p.Thr69=; no amino-acid change (threonine 69 retained).
Molecular consequence: synonymous variant.
Genome position (GRCh38, 1-based): chr12:132,680,685, G>T on the plus strand (C>A on the coding strand, the complement: POLE is on the minus strand). VCF-style: chr12-132680685-G-T. GRCh37 (hg19) VCF-style: chr12-133257271-G-T.
Identifiers: ClinVar variation 1971827 (VCV001971827.5), dbSNP rs146986360, ClinGen allele CA482725252.

ClinVar aggregate classification (germline): Uncertain significance (1 of 4 stars; one submission).

gnomAD v4.1: 2 of 1,611,612 alleles (0.00012%); highest among the groups gnomAD compares: South Asian, 0.0011%; no homozygotes.

Submission:

Labcorp Genetics (formerly Invitae), Labcorp
Classification: Uncertain significance. Last evaluated: 2024-05-20. Review status: criteria provided, single submitter. Criteria: Invitae Variant Classification Sherloc (09022015). Collection method: clinical testing. Allele origin: germline.
Comment: This sequence change affects codon 69 of the POLE mRNA. It is a 'silent' change, meaning that it does not change the encoded amino acid sequence of the POLE protein. This variant is not present in population databases (gnomAD no frequency). This variant has not been reported in the literature in individuals affected with POLE-related conditions. ClinVar contains an entry for this variant (Variation ID: 1971827). Algorithms developed to predict the effect of sequence changes on RNA splicing suggest that this variant may create or strengthen a splice site. In summary, the available evidence is currently insufficient to determine the role of this variant in disease. Therefore, it has been classified as a Variant of Uncertain Significance.